The following is an entry in ClinVar:

NM_001375808.2(LPIN2):c.973_976del (p.Val325fs)

Gene: LPIN2 (lipin 2; minus strand). Cytogenetic location: 18p11.31.
Variant type: Deletion.
Coding change: c.973_976del on transcript NM_001375808.2 (MANE Select); coding-DNA positions 973 to 976, 4 bases deleted (GTGA; older notation c.973_976delGTGA).
Protein change: p.Val325fs; shifts the reading frame from valine 325.
Molecular consequence: frameshift variant.
Genome position (GRCh38, 1-based): chr18:2,937,884-2,937,887, TCAC deleted on the plus strand (GTGA on the coding strand, the reverse complement: LPIN2 is on the minus strand); deleting any 4 consecutive bases within chr18:2,937,884-2,937,888 gives the same sequence; the c. name uses the placement nearest the transcript's 3' end. VCF-style (leftmost placement, unchanged base first): chr18-2937883-TTCAC-T. GRCh37 (hg19) VCF-style: chr18-2937881-TTCAC-T.
Other names: c.973_976del, p.Val325fs (NM_001375809.1, NM_014646.2); short protein forms V325fs.
Identifiers: ClinVar variation 4720899 (VCV004720899.1).

ClinVar aggregate classification (germline): Pathogenic (1 of 4 stars; one submission).

Conditions:
Majeed syndrome (MJDS). Also called: LPIN2-Related Majeed Syndrome; CHRONIC RECURRENT MULTIFOCAL OSTEOMYELITIS 1, WITH CONGENITAL DYSERYTHROPOIETIC ANEMIA, WITH OR WITHOUT NEUTROPHILIC DERMATOSIS. Identifiers: Orphanet 77297, MedGen C1864997, MONDO:0012316, OMIM 609628.

Submission:

Labcorp Genetics (formerly Invitae), Labcorp
Classification: Pathogenic for Majeed syndrome. Last evaluated: 2025-06-06. Review status: criteria provided, single submitter. Criteria: Invitae Variant Classification Sherloc (09022015). Collection method: clinical testing. Allele origin: germline.
Comment: This sequence change creates a premature translational stop signal (p.Val325Serfs*11) in the LPIN2 gene. It is expected to result in an absent or disrupted protein product. Loss-of-function variants in LPIN2 are known to be pathogenic (PMID: 15994876, 23087183). This variant is not present in population databases (gnomAD no frequency). This variant has not been reported in the literature in individuals affected with LPIN2-related conditions. For these reasons, this variant has been classified as Pathogenic.

Literature cited by the submitters: PubMed 15994876; PubMed 23087183.